The following is an entry in ClinVar:

NM_002454.3(MTRR):c.*222A>G

Gene: MTRR (5-methyltetrahydrofolate-homocysteine methyltransferase reductase; plus strand). Cytogenetic location: 5p15.31.
Variant type: single nucleotide variant.
Coding change: c.*222A>G on transcript NM_002454.3 (MANE Select); 222 bases downstream of the stop codon, A replaced by G.
Molecular consequence: 3 prime UTR variant. On other transcripts: non-coding transcript variant (14).
Genome position (GRCh38, 1-based): chr5:7,900,280, A>G. VCF-style: chr5-7900280-A-G. GRCh37 (hg19) VCF-style: chr5-7900393-A-G.
Other names: NC_000005.9:g.7900393A>G; c.*222A>G (NM_001364440.2, NM_001364441.2, NM_001364442.2 and 1 more transcripts).
Identifiers: ClinVar variation 354367 (VCV000354367.7), dbSNP rs145654110, ClinGen allele CA10622320.

ClinVar aggregate classification (germline): Benign. Review status: criteria provided, multiple submitters, no conflicts (2 of 4 stars). 2 submissions from 2 submitters: Benign (2). Last evaluated 2018-01-12.

Conditions:
Disorders of Intracellular Cobalamin Metabolism. Identifiers: MedGen CN043592.

Allele frequency attached by ClinVar (database versions not stated): TOPMed 0.00405; 1000 Genomes Project 30x 0.00609; 1000 Genomes Project 0.00679.
gnomAD v4.1: 3,843 of 543,930 alleles (0.71%); highest among the groups gnomAD compares: South Asian, 3.2%; 42 homozygotes.

Submissions (4):

Illumina Laboratory Services, Illumina
Classification: Benign for Disorders of Intracellular Cobalamin Metabolism. Last evaluated: 2018-01-12. Review status: criteria provided, single submitter. Criteria: ICSL Variant Classification Criteria 13 December 2019. Collection method: clinical testing. Allele origin: germline.
Comment: This variant was observed in the ICSL laboratory as part of a predisposition screen in an ostensibly healthy population. It had not been previously curated by ICSL or reported in the Human Gene Mutation Database (HGMD: prior to June 1st, 2018), and was therefore a candidate for classification through an automated scoring system. Utilizing variant allele frequency, disease prevalence and penetrance estimates, and inheritance mode, an automated score was calculated to assess if this variant is too frequent to cause the disease. Based on the score and internal cut-off values, a variant classified as benign is not then subjected to further curation. The score for this variant resulted in a classification of benign for this disease.

Breakthrough Genomics
Classification: Benign. Review status: criteria provided, single submitter. Criteria: ACMG Guidelines, 2015. Collection method: not provided. Allele origin: germline. Inheritance: Autosomal recessive inheritance. Affected: yes.

Dr. Peter K. Rogan Lab, Western University
No classification provided (evidence only). Condition: Malignant tumor of urinary bladder. Review status: no classification provided. Collection method: in vitro. Allele origin: not applicable. Functional consequence: retained intron. Not counted in ClinVar's aggregate classification.

Dr. Peter K. Rogan Lab, Western University
No classification provided (evidence only). Condition: Malignant tumor of esophagus. Review status: no classification provided. Collection method: in vitro. Allele origin: not applicable. Functional consequence: retained intron. Not counted in ClinVar's aggregate classification.